The following is an entry in ClinVar:

NM_001042492.3(NF1):c.1722-1G>C

Gene: NF1 (neurofibromin 1; plus strand). Cytogenetic location: 17q11.2.
Variant type: single nucleotide variant.
Coding change: c.1722-1G>C on transcript NM_001042492.3 (MANE Select); the canonical splice acceptor site of the intron before coding-DNA position 1722, G replaced by C.
Molecular consequence: splice acceptor variant.
Genome position (GRCh38, 1-based): chr17:31,223,443, G>C. VCF-style: chr17-31223443-G-C. GRCh37 (hg19) VCF-style: chr17-29550461-G-C.
Other names: c.1722-1G>C (NM_000267.4).
Identifiers: ClinVar variation 3724348 (VCV003724348.3).
Genomic context (GRCh38, chr17:31,223,443, plus strand): 5'-TGGTTATATCTGCATTAGGTTATTGATGATGCTAGTAACAATGAACTTTATGTTACTGCA[G>C]CTCACAAATGCTTTTTTACATCTGCAAGAAATTAACTAGTCATCAAATGCTTAGTAGCAC-3'

ClinVar aggregate classification (germline): Pathogenic (1 of 4 stars; one submission).

Conditions:
Neurofibromatosis, type 1 (NF1). Also called: VON RECKLINGHAUSEN DISEASE; NEUROFIBROMATOSIS, TYPE I, SOMATIC; Peripheral type neurofibromatosis; Neurofibromatosis, type I. Identifiers: Orphanet 636, MedGen C0027831, MONDO:0018975, OMIM 162200. Disease mechanism: loss of function.

Submissions (2):

Labcorp Genetics (formerly Invitae), Labcorp
Classification: Pathogenic for Neurofibromatosis, type 1. Last evaluated: 2024-11-04. Review status: criteria provided, single submitter. Criteria: Invitae Variant Classification Sherloc (09022015). Collection method: clinical testing. Allele origin: germline.
Comment: This sequence change affects an acceptor splice site in intron 15 of the NF1 gene. RNA analysis indicates that disruption of this splice site induces altered splicing and may result in an absent or altered protein product. This variant is not present in population databases (gnomAD no frequency). Disruption of this splice site has been observed in individuals with neurofibromatosis type 1 (PMID: 17311297; internal data). Studies have shown that disruption of this splice site results in activation of a cryptic splice site, and produces a non-functional protein and/or introduces a premature termination codon (PMID: 17311297). For these reasons, this variant has been classified as Pathogenic.

Dr. Peter K. Rogan Lab, Western University
No classification provided (evidence only). Condition: Lung cancer. Review status: no classification provided. Collection method: in vitro. Allele origin: not applicable. Functional consequence: retained intron. Not counted in ClinVar's aggregate classification.

Literature cited by the submitters: PubMed 17311297 (cited by Labcorp Genetics (formerly Invitae), Labcorp).